The following is an entry in ClinVar:

NM_003001.5(SDHC):c.292T>C (p.Ser98Pro)

Gene: SDHC (succinate dehydrogenase complex subunit C; plus strand). Cytogenetic location: 1q23.3.
Variant type: single nucleotide variant.
Coding change: c.292T>C on transcript NM_003001.5 (MANE Select); coding-DNA position 292, T replaced by C.
Protein change: p.Ser98Pro; replaces serine 98 with proline.
Molecular consequence: missense variant. On other transcripts: non-coding transcript variant (1), intron variant (3).
Genome position (GRCh38, 1-based): chr1:161,356,727, T>C. VCF-style: chr1-161356727-T-C. GRCh37 (hg19) VCF-style: chr1-161326517-T-C.
Other names: c.190T>C, p.Ser64Pro (NM_001035512.3); c.133T>C, p.Ser45Pro (NM_001035513.3); c.412T>C, p.Ser138Pro (NM_001407115.1); c.235T>C, p.Ser79Pro (NM_001407116.1); c.229T>C, p.Ser77Pro (NM_001407117.1); c.184T>C, p.Ser62Pro (NM_001407118.1); c.181T>C, p.Ser61Pro (NM_001407119.1, NM_001407120.1); c.242-5602T>C (NM_001035511.3); and 2 more; short protein forms S61P, S62P, S45P, S77P, S98P, S64P, S79P, S138P.
Identifiers: ClinVar variation 1797802 (VCV001797802.4), dbSNP rs371462564, ClinGen allele CA343456380.

ClinVar aggregate classification (germline): Conflicting classifications of pathogenicity. Review status: criteria provided, conflicting classifications (1 of 4 stars). 2 submissions from 2 submitters: Uncertain significance (1); Likely benign (1). Last evaluated 2024-02-27.

Conditions:
Pheochromocytoma/paraganglioma syndrome 3. Also called: SDHC-Related Hereditary Paraganglioma-Pheochromocytoma Syndrome (Paragangliomas 3); SDHC-Related Hereditary Paraganglioma-Pheochromocytoma Syndrome; GLOMUS TUMORS, FAMILIAL, 3; Paragangliomas 3. Identifiers: Orphanet 29072, MedGen C1854336, MONDO:0011544, OMIM 605373.
Gastrointestinal stromal tumor. Also called: Gastrointestinal stromal tumor, somatic; Gastrointestinal stroma tumor. Identifiers: Orphanet 44890, MedGen C0238198, MeSH D046152, MONDO:0011719, OMIM 606764, HP:0100723.
Hereditary cancer-predisposing syndrome. Also called: Neoplastic Syndromes, Hereditary; Hereditary neoplastic syndrome; Hereditary Cancer Syndrome; Tumor predisposition. Identifiers: Orphanet 140162, MedGen C0027672, MeSH D009386, MONDO:0015356.

Submissions (2):

Labcorp Genetics (formerly Invitae), Labcorp
Classification: Uncertain significance for Pheochromocytoma/paraganglioma syndrome 3; Gastrointestinal stromal tumor. Last evaluated: 2024-02-27. Review status: criteria provided, single submitter. Criteria: Invitae Variant Classification Sherloc (09022015). Collection method: clinical testing. Allele origin: germline.
Comment: This sequence change replaces serine, which is neutral and polar, with proline, which is neutral and non-polar, at codon 98 of the SDHC protein (p.Ser98Pro). This variant is not present in population databases (gnomAD no frequency). This variant has not been reported in the literature in individuals affected with SDHC-related conditions. ClinVar contains an entry for this variant (Variation ID: 1797802). Advanced modeling of protein sequence and biophysical properties (such as structural, functional, and spatial information, amino acid conservation, physicochemical variation, residue mobility, and thermodynamic stability) performed at Invitae indicates that this missense variant is expected to disrupt SDHC protein function with a positive predictive value of 95%. In summary, the available evidence is currently insufficient to determine the role of this variant in disease. Therefore, it has been classified as a Variant of Uncertain Significance.

Ambry Genetics
Classification: Likely benign for Hereditary cancer-predisposing syndrome. Last evaluated: 2020-02-24. Review status: criteria provided, single submitter. Criteria: Ambry Variant Classification Scheme 2023. Collection method: clinical testing. Allele origin: germline.